The following is an entry in ClinVar:

NM_001165963.4(SCN1A):c.3860T>C (p.Leu1287Pro)

Genes: SCN1A (sodium voltage-gated channel alpha subunit 1; minus strand), LOC102724058 (uncharacterized LOC102724058; plus strand). Cytogenetic location: 2q24.3.
Variant type: single nucleotide variant.
Coding change: c.3860T>C on transcript NM_001165963.4 (MANE Select); coding-DNA position 3860, T replaced by C.
Protein change: p.Leu1287Pro; replaces leucine 1287 with proline.
Molecular consequence: missense variant. On other transcripts: non-coding transcript variant (1).
Genome position (GRCh38, 1-based): chr2:166,012,128, A>G on the plus strand (T>C on the coding strand, the complement: SCN1A is on the minus strand). VCF-style: chr2-166012128-A-G. GRCh37 (hg19) VCF-style: chr2-166868638-A-G.
Other names: c.3776T>C, p.Leu1259Pro (NM_001165964.3, NM_001353957.2, NM_001353958.2); c.3860T>C, p.Leu1287Pro (NM_001202435.3, NM_001353948.2); c.3827T>C, p.Leu1276Pro (NM_001353949.2, NM_001353950.2, NM_001353951.2 and 2 more transcripts); c.3824T>C, p.Leu1275Pro (NM_001353954.2, NM_001353955.2); c.3773T>C, p.Leu1258Pro (NM_001353960.2); c.1418T>C, p.Leu473Pro (NM_001353961.2); short protein forms L1276P, L1287P, L1258P, L1259P, L1275P, L473P.
Identifiers: ClinVar variation 68624 (VCV000068624.9), dbSNP rs121918740, ClinGen allele CA285150.

ClinVar aggregate classification (germline): Pathogenic. Review status: criteria provided, multiple submitters, no conflicts (2 of 4 stars). 3 submissions from 3 submitters: Pathogenic (2). 1 of the submissions does not count toward it. Last evaluated 2025-05-27.

Conditions:
Early-infantile DEE. Also called: Early infantile epileptic encephalopathy; Early infantile epileptic encephalopathy with suppression bursts; Ohtahara syndrome. Identifiers: Orphanet 1934, MedGen C0393706, MONDO:0800491.
Severe myoclonic epilepsy in infancy (DRVT). Also called: SEVERE MYOCLONIC EPILEPSY OF INFANCY; DEVELOPMENTAL AND EPILEPTIC ENCEPHALOPATHY 6A; Severe Myoclonic Epilepsy in Infancy (SMEI); Dravet syndrome; Epileptic encephalopathy, early infantile, 6 (Dravet syndrome). Identifiers: Orphanet 33069, MedGen C0751122, MONDO:0100135, OMIM 607208.

Submissions (3):

Labcorp Genetics (formerly Invitae), Labcorp
Classification: Pathogenic for Early-infantile DEE. Last evaluated: 2025-05-27. Review status: criteria provided, single submitter. Criteria: Invitae Variant Classification Sherloc (09022015). Collection method: clinical testing. Allele origin: germline.
Comment: This sequence change replaces leucine, which is neutral and non-polar, with proline, which is neutral and non-polar, at codon 1287 of the SCN1A protein (p.Leu1287Pro). This variant is not present in population databases (gnomAD no frequency). This missense change has been observed in individual(s) with clinical features of Dravet syndrome (PMID: 20431604; internal data). In at least one individual the variant was observed to be de novo. ClinVar contains an entry for this variant (Variation ID: 68624). Invitae Evidence Modeling of protein sequence and biophysical properties (such as structural, functional, and spatial information, amino acid conservation, physicochemical variation, residue mobility, and thermodynamic stability) indicates that this missense variant is expected to disrupt SCN1A protein function with a positive predictive value of 95%. For these reasons, this variant has been classified as Pathogenic.

Center for Bioinformatics, Peking University
Classification: Pathogenic for Dravet syndrome. Last evaluated: 2014-12-20. Review status: criteria provided, single submitter. Criteria: Xu et al. (Hum Mutat. 2015). Collection method: research. Allele origin: de novo. Affected: yes. Observed: 1 variant allele. Study: University Clinical Cooperation “985 Project” PKU-2014-1-1.
Comment: Dravet syndrome (DS) probands were recruited from the outpatient and inpatient child neurology units of Peking University First Hospital from 2005 till present. The study was approved by the Ethics Committee of Peking University First Hospital and the Institutional Review Board at Peking University. Participants or their parents provided written informed consent before enrollment. We collected a total of 267 mutations from 255 families with probands diagnosed with DS in China. All probands fulfilled the clinical diagnostic criteria.

UniProtKB/Swiss-Prot
No classification provided. Condition: Severe myoclonic epilepsy in infancy. Review status: no classification provided. Collection method: not provided. Allele origin: germline. Not counted in ClinVar's aggregate classification.

Literature cited by the submitters: PubMed 20431604 (cited by Labcorp Genetics (formerly Invitae), Labcorp).